The following is an entry in ClinVar:

ClinVar aggregate classification (germline): Uncertain significance. Review status: criteria provided, multiple submitters, no conflicts (2 of 4 stars). 2 submissions from 2 submitters: Uncertain significance (2). Last evaluated 2025-09-06.

Allele frequency attached by ClinVar (database versions not stated): ExAC 0.00001; gnomAD 0.00003; TOPMed 0.00009.
gnomAD v4.1: 18 of 1,613,890 alleles (0.0011%); highest among the groups gnomAD compares: Admixed American, 0.013%; no homozygotes.

Submissions (2):

Labcorp Genetics (formerly Invitae), Labcorp
Classification: Uncertain significance. Last evaluated: 2025-09-06. Review status: criteria provided, single submitter. Criteria: Invitae Variant Classification Sherloc (09022015). Collection method: clinical testing. Allele origin: germline.
Comment: This sequence change replaces methionine, which is neutral and non-polar, with isoleucine, which is neutral and non-polar, at codon 305 of the LIPC protein (p.Met305Ile). This variant is present in population databases (rs776867538, gnomAD 0.004%). This missense change has been observed in individual(s) with LIPC-related conditions (PMID: 36325899). ClinVar contains an entry for this variant (Variation ID: 2892323). Invitae Evidence Modeling of protein sequence and biophysical properties (such as structural, functional, and spatial information, amino acid conservation, physicochemical variation, residue mobility, and thermodynamic stability) indicates that this missense variant is not expected to disrupt LIPC protein function with a negative predictive value of 80%. In summary, the available evidence is currently insufficient to determine the role of this variant in disease. Therefore, it has been classified as a Variant of Uncertain Significance.

Ambry Genetics
Classification: Uncertain significance. Last evaluated: 2023-11-13. Review status: criteria provided, single submitter. Criteria: Ambry Variant Classification Scheme 2023. Collection method: clinical testing. Allele origin: germline.

Literature cited by the submitters: PubMed 36325899 (cited by Labcorp Genetics (formerly Invitae), Labcorp).

NM_000236.3(LIPC):c.915G>C (p.Met305Ile)

Gene: LIPC (lipase C, hepatic type; plus strand). Cytogenetic location: 15q21.3.
Variant type: single nucleotide variant.
Coding change: c.915G>C on transcript NM_000236.3 (MANE Select); coding-DNA position 915, G replaced by C.
Protein change: p.Met305Ile; replaces methionine 305 with isoleucine.
Molecular consequence: missense variant.
Genome position (GRCh38, 1-based): chr15:58,548,436, G>C. VCF-style: chr15-58548436-G-C. GRCh37 (hg19) VCF-style: chr15-58840635-G-C.
Other names: c.915G>C (NM_000236.2); short protein forms M305I.
Identifiers: ClinVar variation 2892323 (VCV002892323.4), dbSNP rs776867538, ClinGen allele CA7585042.